The following is an entry in ClinVar:

ClinVar aggregate classification (germline): Uncertain significance (1 of 4 stars; one submission).

Submission:

Labcorp Genetics (formerly Invitae), Labcorp
Classification: Uncertain significance. Last evaluated: 2025-02-10. Review status: criteria provided, single submitter. Criteria: Invitae Variant Classification Sherloc (09022015). Collection method: clinical testing. Allele origin: germline.
Comment: This sequence change replaces isoleucine, which is neutral and non-polar, with leucine, which is neutral and non-polar, at codon 1115 of the ALPK1 protein (p.Ile1115Leu). This variant is not present in population databases (gnomAD no frequency). This variant has not been reported in the literature in individuals affected with ALPK1-related conditions. Invitae Evidence Modeling of protein sequence and biophysical properties (such as structural, functional, and spatial information, amino acid conservation, physicochemical variation, residue mobility, and thermodynamic stability) indicates that this missense variant is not expected to disrupt ALPK1 protein function with a negative predictive value of 80%. In summary, the available evidence is currently insufficient to determine the role of this variant in disease. Therefore, it has been classified as a Variant of Uncertain Significance.

NM_025144.4(ALPK1):c.3343A>C (p.Ile1115Leu)

Gene: ALPK1 (alpha kinase 1; plus strand). Cytogenetic location: 4q25.
Variant type: single nucleotide variant.
Coding change: c.3343A>C on transcript NM_025144.4 (MANE Select); coding-DNA position 3343, A replaced by C.
Protein change: p.Ile1115Leu; replaces isoleucine 1115 with leucine.
Molecular consequence: missense variant.
Genome position (GRCh38, 1-based): chr4:112,438,638, A>C. VCF-style: chr4-112438638-A-C. GRCh37 (hg19) VCF-style: chr4-113359794-A-C.
Other names: c.3343A>C, p.Ile1115Leu (NM_001102406.2); c.3109A>C, p.Ile1037Leu (NM_001253884.2); short protein forms I1115L, I1037L.
Identifiers: ClinVar variation 4743324 (VCV004743324.1).